The following is an entry in ClinVar:

NM_001040142.2(SCN2A):c.5119C>T (p.Leu1707=)

Gene: SCN2A (sodium voltage-gated channel alpha subunit 2; plus strand). Cytogenetic location: 2q24.3.
Variant type: single nucleotide variant.
Coding change: c.5119C>T on transcript NM_001040142.2 (MANE Select); coding-DNA position 5119, C replaced by T.
Protein change: p.Leu1707=; no amino-acid change (leucine 1707 retained).
Molecular consequence: synonymous variant.
Genome position (GRCh38, 1-based): chr2:165,388,925, C>T. VCF-style: chr2-165388925-C-T. GRCh37 (hg19) VCF-style: chr2-166245435-C-T.
Other names: p.L1707L:CTG>TTG; c.5119C>T, p.Leu1707= (NM_001040143.2, NM_001371246.1, NM_001371247.1 and 1 more transcripts).
Identifiers: ClinVar variation 206955 (VCV000206955.9), dbSNP rs2227897, ClinGen allele CA317845.

ClinVar aggregate classification (germline): Benign/Likely benign. Review status: criteria provided, multiple submitters, no conflicts (2 of 4 stars). 2 submissions from 2 submitters: Benign (1); Likely benign (1). Last evaluated 2025-09-23.

Conditions:
Seizures, benign familial infantile, 3 (BFIS3). Also called: CONVULSIONS, BENIGN FAMILIAL INFANTILE, 3; Familial neonatal seizures. Identifiers: Orphanet 140927, Orphanet 306, MedGen C1843140, MONDO:0011904, OMIM 607745.
Developmental and epileptic encephalopathy, 11 (DEE11). Also called: Early infantile epileptic encephalopathy 11. Identifiers: Orphanet 1934, MedGen C3150987, MONDO:0013388, OMIM 613721.

Allele frequency attached by ClinVar (database versions not stated): gnomAD exomes below 0.00001 and 0.00001; ExAC 0.00002; gnomAD 0.00002; TOPMed 0.00002.
gnomAD v4.1: 11 of 1,614,018 alleles (0.00068%); highest among the groups gnomAD compares: African/African-American, 0.008%; no homozygotes.

Submissions (2):

Labcorp Genetics (formerly Invitae), Labcorp
Classification: Likely benign for Seizures, benign familial infantile, 3; Developmental and epileptic encephalopathy, 11. Last evaluated: 2025-09-23. Review status: criteria provided, single submitter. Criteria: Invitae Variant Classification Sherloc (09022015). Collection method: clinical testing. Allele origin: germline.

GeneDx
Classification: Benign. Last evaluated: 2014-08-08. Review status: criteria provided, single submitter. Criteria: GeneDx Variant Classification (06012015). Collection method: clinical testing. Allele origin: germline. Affected: yes.
Comment: This variant is considered likely benign or benign based on one or more of the following criteria: it is a conservative change, it occurs at a poorly conserved position in the protein, it is predicted to be benign by multiple in silico algorithms, and/or has population frequency not consistent with disease.